The following is an entry in ClinVar:

NM_000292.3(PHKA2):c.1502del (p.His501fs)

Gene: PHKA2 (phosphorylase kinase regulatory subunit alpha 2; minus strand). Cytogenetic location: Xp22.13.
Variant type: Deletion.
Coding change: c.1502del on transcript NM_000292.3 (MANE Select); coding-DNA position 1502, one base deleted (A; older notation c.1502delA).
Protein change: p.His501fs; shifts the reading frame from histidine 501.
Molecular consequence: frameshift variant.
Genome position (GRCh38, 1-based): chrX:18,925,735, T deleted on the plus strand (A on the coding strand, the reverse complement: PHKA2 is on the minus strand). VCF-style (leftmost placement, unchanged base first): chrX-18925734-AT-A. GRCh37 (hg19) VCF-style: chrX-18943852-AT-A.
Other names: short protein forms H501fs.
Identifiers: ClinVar variation 2767520 (VCV002767520.3), dbSNP rs2518696723, ClinGen allele CA2697552864.

ClinVar aggregate classification (germline): Pathogenic (1 of 4 stars; one submission).

Conditions:
Glycogen storage disease IXa1. Also called: LIVER GLYCOGENOSIS, X-LINKED, TYPE I; GLYCOGEN STORAGE DISEASE VIII; GSD VIII; Glycogen storage disease 8. Identifiers: Orphanet 264580, MedGen C3694531, MONDO:0010598, OMIM 306000.

Submission:

Labcorp Genetics (formerly Invitae), Labcorp
Classification: Pathogenic for Glycogen storage disease IXa1. Last evaluated: 2023-10-10. Review status: criteria provided, single submitter. Criteria: Invitae Variant Classification Sherloc (09022015). Collection method: clinical testing. Allele origin: germline.
Comment: This sequence change creates a premature translational stop signal (p.His501Leufs*12) in the PHKA2 gene. It is expected to result in an absent or disrupted protein product. Loss-of-function variants in PHKA2 are known to be pathogenic (PMID: 7711737, 10330341). This variant is not present in population databases (gnomAD no frequency). This variant has not been reported in the literature in individuals affected with PHKA2-related conditions. For these reasons, this variant has been classified as Pathogenic.

Literature cited by the submitters: PubMed 7711737; PubMed 10330341.